The following is an entry in ClinVar:

ClinVar aggregate classification (germline): Pathogenic (1 of 4 stars; one submission).

Conditions:
Primary ciliary dyskinesia 9. Also called: CILIARY DYSKINESIA, PRIMARY, 9, WITH OR WITHOUT SITUS INVERSUS. Identifiers: Orphanet 244, MedGen C2676235, MONDO:0012906, OMIM 612444.

Submission:

Myriad Genetics, Inc.
Classification: Pathogenic for Primary ciliary dyskinesia 9. Last evaluated: 2024-05-14. Review status: criteria provided, single submitter. Criteria: Myriad Autosomal Dominant, Autosomal Recessive and X-Linked Classification Criteria (2023). Collection method: clinical testing. Allele origin: unknown.
Comment: NM_023036.4(DNAI2):c.1129_1131delCCGinsA(P377Kfs*16) is expected to be pathogenic in the context of primary ciliary dyskinesia, DNAI2-related. This variant is predicted to lead to an abnormal or absent protein product due to the creation of a premature termination codon in DNAI2, a gene where loss-of-function variants are known to be pathogenic. Please note: this variant was assessed in the context of healthy population screening.

NM_023036.6(DNAI2):c.1129_1131delinsA (p.Pro377fs)

Gene: DNAI2 (dynein axonemal intermediate chain 2; plus strand). Cytogenetic location: 17q25.1.
Variant type: Indel.
Coding change: c.1129_1131delinsA on transcript NM_023036.6 (MANE Select); coding-DNA positions 1129 to 1131, CCG replaced by A.
Protein change: p.Pro377fs; shifts the reading frame from proline 377.
Molecular consequence: frameshift variant. On other transcripts: non-coding transcript variant (1).
Genome position (GRCh38, 1-based): chr17:74,305,360-74,305,362, CCG replaced by A. VCF-style: chr17-74305360-CCG-A. GRCh37 (hg19) VCF-style: chr17-72301499-CCG-A.
Other names: c.1129_1131delinsA, p.Pro377fs (NM_001172810.3, NM_001353167.2); short protein forms P377fs.
Identifiers: ClinVar variation 5010559 (VCV005010559.1).